The following is an entry in ClinVar:

ClinVar aggregate classification (germline): Uncertain significance. Review status: criteria provided, multiple submitters, no conflicts (2 of 4 stars). 2 submissions from 2 submitters: Uncertain significance (2). Last evaluated 2026-02-16.

Conditions:
Peutz-Jeghers syndrome (PJS). Also called: POLYPOSIS, HAMARTOMATOUS INTESTINAL; POLYPS-AND-SPOTS SYNDROME; Peutz-Jeghers polyposis; Periorificial lentiginosis syndrome. Identifiers: Orphanet 2869, MedGen C0031269, MeSH D010580, MONDO:0008280, OMIM 175200.
Hereditary cancer-predisposing syndrome. Also called: Neoplastic Syndromes, Hereditary; Tumor predisposition; Hereditary Cancer Syndrome; Hereditary neoplastic syndrome. Identifiers: Orphanet 140162, MedGen C0027672, MeSH D009386, MONDO:0015356.

Submissions (2):

Institute for Biomarker Research, Medical Diagnostic Laboratories, L.L.C.
Classification: Uncertain significance for Hereditary cancer-predisposing syndrome. Last evaluated: 2026-02-16. Review status: criteria provided, single submitter. Criteria: ACMG Guidelines, 2015. Collection method: clinical testing. Allele origin: germline.
Comment: The missense variant NM_000455.5(STK11):c.1050C>G (p.Asp350Glu) has not been reported previously as a pathogenic variant nor as a benign variant, to our knowledge 9V). There is a small physicochemical difference between aspartic acid and glutamic acid, which is not likely to impact secondary protein structure as these residues share similar properties. The gene STK11 has a low rate of benign missense variation as indicated by a high missense variants Z-Score of 1.49. The p.Asp350Glu variant is not predicted to introduce a novel splice site by any splice site algorithm. The p.Asp350Glu missense variant is predicted to be tolerated by both SIFT or PolyPhen2. The glutamic acid residue at codon 350 of STK11 is present in Mouse and 6 other mammalian species. For these reasons, this variant has been classified as Uncertain Significance.

Labcorp Genetics (formerly Invitae), Labcorp
Classification: Uncertain significance for Peutz-Jeghers syndrome. Last evaluated: 2024-04-25. Review status: criteria provided, single submitter. Criteria: Invitae Variant Classification Sherloc (09022015). Collection method: clinical testing. Allele origin: germline.
Comment: This sequence change replaces aspartic acid, which is acidic and polar, with glutamic acid, which is acidic and polar, at codon 350 of the STK11 protein (p.Asp350Glu). This variant is not present in population databases (gnomAD no frequency). This variant has not been reported in the literature in individuals affected with STK11-related conditions. Advanced modeling of protein sequence and biophysical properties (such as structural, functional, and spatial information, amino acid conservation, physicochemical variation, residue mobility, and thermodynamic stability) performed at Invitae indicates that this missense variant is not expected to disrupt STK11 protein function with a negative predictive value of 95%. In summary, the available evidence is currently insufficient to determine the role of this variant in disease. Therefore, it has been classified as a Variant of Uncertain Significance.

NM_000455.5(STK11):c.1050C>G (p.Asp350Glu)

Genes: STK11 (serine/threonine kinase 11; plus strand), LOC130062899 (ATAC-STARR-seq lymphoblastoid active region 13597; plus strand). Cytogenetic location: 19p13.3.
Variant type: single nucleotide variant.
Coding change: c.1050C>G on transcript NM_000455.5 (MANE Select); coding-DNA position 1050, C replaced by G.
Protein change: p.Asp350Glu; replaces aspartic acid 350 with glutamic acid.
Molecular consequence: missense variant. On other transcripts: non-coding transcript variant (1).
Genome position (GRCh38, 1-based): chr19:1,223,114, C>G. VCF-style: chr19-1223114-C-G. GRCh37 (hg19) VCF-style: chr19-1223113-C-G.
Other names: c.1050C>G, p.Asp350Glu (NM_001407255.1); short protein forms D350E.
Identifiers: ClinVar variation 3650826 (VCV003650826.3).